The following is an entry in ClinVar:

NM_000414.4(HSD17B4):c.434+4G>A

Gene: HSD17B4 (hydroxysteroid 17-beta dehydrogenase 4; plus strand). Cytogenetic location: 5q23.1.
Variant type: single nucleotide variant.
Coding change: c.434+4G>A on transcript NM_000414.4 (MANE Select); 4 bases into the intron after coding-DNA position 434, G replaced by A.
Molecular consequence: intron variant.
Genome position (GRCh38, 1-based): chr5:119,477,505, G>A. VCF-style: chr5-119477505-G-A. GRCh37 (hg19) VCF-style: chr5-118813200-G-A.
Other names: c.23+4G>A (NM_001374503.1, NM_001374502.1, NM_001374501.1); c.509+4G>A (NM_001199291.3); c.107+4G>A (NM_001374499.1); c.-105+4G>A (NM_001374500.1); c.14+13G>A (NM_001292028.2); c.362+4G>A (NM_001292027.2); c.434+4G>A (NM_001374498.1); c.425+13G>A (NM_001374497.1); and 1 more.
Identifiers: ClinVar variation 3036262 (VCV003036262.2), dbSNP rs2531620189, ClinGen allele CA2531346191.
Genomic context (GRCh38, chr5:119,477,505, plus strand): 5'-TTCATTCCAAGTGACACGGGCAGCATGGGAACACATGAAGAAACAGAAGTATGGAAGGTA[G>A]AGTTGCATGTGGTTGTCAAGGGGGATTTAAGATGTTGTGTCTGGGGGTTCTTGTGTACAG-3'

ClinVar aggregate classification (germline): Likely benign (0 of 4 stars; one submission).

Conditions:
HSD17B4-related disorder. Also called: HSD17B4-related condition; HSD17B4-related disorders.

Allele frequency attached by ClinVar (database versions not stated): gnomAD exomes below 0.00001.
gnomAD v4.1: 1 of 1,604,692 alleles (0.000062%); highest among the groups gnomAD compares: South Asian, 0.0011%; no homozygotes.

Submission:

PreventionGenetics, part of Exact Sciences
Classification: Likely benign for HSD17B4-related condition. Last evaluated: 2021-12-21. Review status: no assertion criteria provided. Collection method: clinical testing. Allele origin: germline.
Comment: This variant is classified as likely benign based on ACMG/AMP sequence variant interpretation guidelines (Richards et al. 2015 PMID: 25741868, with internal and published modifications).